The following is an entry in ClinVar:

ClinVar aggregate classification (germline): Uncertain significance (1 of 4 stars; one submission).

Submission:

Labcorp Genetics (formerly Invitae), Labcorp
Classification: Uncertain significance. Last evaluated: 2022-11-01. Review status: criteria provided, single submitter. Criteria: Invitae Variant Classification Sherloc (09022015). Collection method: clinical testing. Allele origin: germline.
Comment: In summary, the available evidence is currently insufficient to determine the role of this variant in disease. Therefore, it has been classified as a Variant of Uncertain Significance. Advanced modeling of protein sequence and biophysical properties (such as structural, functional, and spatial information, amino acid conservation, physicochemical variation, residue mobility, and thermodynamic stability) performed at Invitae indicates that this missense variant is not expected to disrupt SRCAP protein function. This variant has not been reported in the literature in individuals affected with SRCAP-related conditions. This variant is not present in population databases (gnomAD no frequency). This sequence change replaces arginine, which is basic and polar, with tryptophan, which is neutral and slightly polar, at codon 220 of the SRCAP protein (p.Arg220Trp).

NM_006662.3(SRCAP):c.658C>T (p.Arg220Trp)

Gene: SRCAP (Snf2 related CREBBP activator protein; plus strand). Cytogenetic location: 16p11.2.
Variant type: single nucleotide variant.
Coding change: c.658C>T on transcript NM_006662.3 (MANE Select); coding-DNA position 658, C replaced by T.
Protein change: p.Arg220Trp; replaces arginine 220 with tryptophan.
Molecular consequence: missense variant.
Genome position (GRCh38, 1-based): chr16:30,709,537, C>T. VCF-style: chr16-30709537-C-T. GRCh37 (hg19) VCF-style: chr16-30720858-C-T.
Other names: short protein forms R220W.
Identifiers: ClinVar variation 2781563 (VCV002781563.3), dbSNP rs2506618785, ClinGen allele CA395601827.